The following is an entry in ClinVar:

ClinVar aggregate classification (germline): Pathogenic (1 of 4 stars; one submission).

Conditions:
Neurofibromatosis, type 1 (NF1). Also called: Peripheral type neurofibromatosis; VON RECKLINGHAUSEN DISEASE; NEUROFIBROMATOSIS, TYPE I, SOMATIC; Neurofibromatosis, type I. Identifiers: Orphanet 636, MedGen C0027831, MONDO:0018975, OMIM 162200. Disease mechanism: loss of function.

Submission:

Labcorp Genetics (formerly Invitae), Labcorp
Classification: Pathogenic for Neurofibromatosis, type 1. Last evaluated: 2024-07-30. Review status: criteria provided, single submitter. Criteria: Invitae Variant Classification Sherloc (09022015). Collection method: clinical testing. Allele origin: germline.
Comment: This sequence change creates a premature translational stop signal (p.Tyr2264Thrfs*6) in the NF1 gene. It is expected to result in an absent or disrupted protein product. Loss-of-function variants in NF1 are known to be pathogenic (PMID: 10712197, 23913538). This variant is not present in population databases (gnomAD no frequency). This variant has not been reported in the literature in individuals affected with NF1-related conditions. Algorithms developed to predict the effect of sequence changes on RNA splicing suggest that this variant may disrupt the consensus splice site. For these reasons, this variant has been classified as Pathogenic.

Literature cited by the submitters: PubMed 10712197; PubMed 23913538.

NM_001042492.3(NF1):c.6853del (p.Tyr2285fs)

Gene: NF1 (neurofibromin 1; plus strand). Cytogenetic location: 17q11.2.
Variant type: Deletion.
Coding change: c.6853del on transcript NM_001042492.3 (MANE Select); coding-DNA position 6853, one base deleted (T; older notation c.6853delT).
Protein change: p.Tyr2285fs; shifts the reading frame from tyrosine 2285.
Molecular consequence: frameshift variant.
Genome position (GRCh38, 1-based): chr17:31,338,737, T deleted; the last of 2 consecutive T bases (chr17:31,338,736-31,338,737); deleting either gives the same sequence. VCF-style (leftmost placement, unchanged base first): chr17-31338735-CT-C. GRCh37 (hg19) VCF-style: chr17-29665753-CT-C.
Other names: c.6790delT, p.Tyr2264Thrfs (NM_000267.4); short protein forms Y2285fs, Y2264fs.
Identifiers: ClinVar variation 3660926 (VCV003660926.2).
Genomic context (GRCh38, chr17:31,338,735, plus strand): 5'-TAAAATAAAAAATTCTGTTTTCCTAAAAGGCACTTGAGAGTTGCTTAAAAGGACCTGACA[CT>C]TACAACAGTCAAGTTCTGATAGAAGCTACAGTAATAGCACTAACCAAATTACAGCCACTT-3'